The following is an entry in ClinVar:

ClinVar aggregate classification (germline): Uncertain significance (1 of 4 stars; one submission).

Submission:

GeneDx
Classification: Uncertain significance. Last evaluated: 2025-05-05. Review status: criteria provided, single submitter. Criteria: GeneDx Variant Classification Process June 2021. Collection method: clinical testing. Allele origin: germline. Affected: yes.
Comment: Not observed at significant frequency in large population cohorts (gnomAD); In silico analysis supports that this missense variant has a deleterious effect on protein structure/function; Has not been previously published as pathogenic or benign to our knowledge

NM_205836.3(FBXO38):c.353G>A (p.Arg118Gln)

Gene: FBXO38 (F-box protein 38; plus strand). Cytogenetic location: 5q32.
Variant type: single nucleotide variant.
Coding change: c.353G>A on transcript NM_205836.3 (MANE Select); coding-DNA position 353, G replaced by A.
Protein change: p.Arg118Gln; replaces arginine 118 with glutamine.
Molecular consequence: missense variant.
Genome position (GRCh38, 1-based): chr5:148,402,072, G>A. VCF-style: chr5-148402072-G-A. GRCh37 (hg19) VCF-style: chr5-147781635-G-A.
Other names: c.353G>A, p.Arg118Gln (NM_001271723.2, NM_030793.5); short protein forms R118Q.
Identifiers: ClinVar variation 4528042 (VCV004528042.1).
Genomic context (GRCh38, chr5:148,402,072, plus strand): 5'-TAAAGAAGATGCCAGATGTTGAACAGCTATATGGCCTTCACCCTCGATACCTTGAGAGGC[G>A]AAGAGTAAGGGGCCATGAGGCTTTTAGCATTCCAGGAGTCCTAGAAGCTTTGCAGGCATG-3'
Protein context (NP_995308.1, residues 108-128): YGLHPRYLER[Arg118Gln]RVRGHEAFSI